The following is an entry in ClinVar:

ClinVar aggregate classification (germline): Uncertain significance (1 of 4 stars; one submission).

Conditions:
Gastrointestinal stromal tumor. Also called: Gastrointestinal stromal tumor, somatic; Gastrointestinal stroma tumor. Identifiers: Orphanet 44890, MedGen C0238198, MeSH D046152, MONDO:0011719, OMIM 606764, HP:0100723.

Submission:

Labcorp Genetics (formerly Invitae), Labcorp
Classification: Uncertain significance for Gastrointestinal stromal tumor. Last evaluated: 2024-12-22. Review status: criteria provided, single submitter. Criteria: Invitae Variant Classification Sherloc (09022015). Collection method: clinical testing. Allele origin: germline.
Comment: This sequence change replaces serine, which is neutral and polar, with isoleucine, which is neutral and non-polar, at codon 911 of the PDGFRA protein (p.Ser911Ile). This variant is not present in population databases (gnomAD no frequency). This variant has not been reported in the literature in individuals affected with PDGFRA-related conditions. ClinVar contains an entry for this variant (Variation ID: 583393). Invitae Evidence Modeling of protein sequence and biophysical properties (such as structural, functional, and spatial information, amino acid conservation, physicochemical variation, residue mobility, and thermodynamic stability) indicates that this missense variant is not expected to disrupt PDGFRA protein function with a negative predictive value of 80%. In summary, the available evidence is currently insufficient to determine the role of this variant in disease. Therefore, it has been classified as a Variant of Uncertain Significance.

NM_006206.6(PDGFRA):c.2732G>T (p.Ser911Ile)

Gene: PDGFRA (platelet derived growth factor receptor alpha; plus strand). Cytogenetic location: 4q12.
Variant type: single nucleotide variant.
Coding change: c.2732G>T on transcript NM_006206.6 (MANE Select); coding-DNA position 2732, G replaced by T.
Protein change: p.Ser911Ile; replaces serine 911 with isoleucine.
Molecular consequence: missense variant.
Genome position (GRCh38, 1-based): chr4:54,288,856, G>T. VCF-style: chr4-54288856-G-T. GRCh37 (hg19) VCF-style: chr4-55155023-G-T.
Other names: c.2807G>T, p.Ser936Ile (NM_001347828.2); c.2732G>T, p.Ser911Ile (NM_001347829.2); c.2771G>T, p.Ser924Ile (NM_001347830.2); short protein forms S911I, S924I, S936I.
Identifiers: ClinVar variation 583393 (VCV000583393.9), dbSNP rs1317114941, ClinGen allele CA356895531.
Genomic context (GRCh38, chr4:54,288,856, plus strand): 5'-TAGGTGGCACCCCTTACCCCGGCATGATGGTGGATTCTACTTTCTACAATAAGATCAAGA[G>T]TGGGTACCGGATGGCCAAGCCTGACCACGCTACCAGTGAAGTGTGAGCTCCTTCCCCATC-3'
Protein context (NP_006197.1, residues 901-921): VDSTFYNKIK[Ser911Ile]GYRMAKPDHA